The following is an entry in ClinVar:

ClinVar aggregate classification (germline): Likely benign (1 of 4 stars; one submission).

Submission:

GeneDx
Classification: Likely benign. Last evaluated: 2017-01-24. Review status: criteria provided, single submitter. Criteria: GeneDx Variant Classification (06012015). Collection method: clinical testing. Allele origin: germline. Affected: yes.
Comment: This variant is considered likely benign or benign based on one or more of the following criteria: it is a conservative change, it occurs at a poorly conserved position in the protein, it is predicted to be benign by multiple in silico algorithms, and/or has population frequency not consistent with disease.

NM_001029896.2(WDR45):c.-17-15C>T

Genes: WDR45 (WD repeat domain 45; minus strand), LOC126863256 (BRD4-independent group 4 enhancer GRCh37_chrX:48934848-48936047; plus strand). Cytogenetic location: Xp11.23.
Variant type: single nucleotide variant.
Coding change: c.-17-15C>T on transcript NM_001029896.2 (MANE Select); 15 bases into the intron before 17 bases upstream of the start codon, C replaced by T.
Molecular consequence: intron variant.
Genome position (GRCh38, 1-based): chrX:49,078,127, G>A on the plus strand (C>T on the coding strand, the complement: WDR45 is on the minus strand). VCF-style: chrX-49078127-G-A. GRCh37 (hg19) VCF-style: chrX-48935786-G-A.
Other names: c.-17-15C>T (NM_007075.4).
Identifiers: ClinVar variation 506960 (VCV000506960.1), dbSNP rs1557084580, ClinGen allele CA658799737.
Genomic context (GRCh38, chrX:49,078,127, plus strand): 5'-GTCACTCCTCGAAGTGGCTGTTGAGTCATGGTGCAGGATTGTTCCTCTGCATACAAATGG[G>A]ATAAAGATGAGAAGAGTCCTGGAATCTCCCCTCCAAGTTCTGCCTCACCTGATTTCCTCC-3'